The following is an entry in ClinVar:

ClinVar aggregate classification (germline): Uncertain significance (1 of 4 stars; one submission).

Allele frequency attached by ClinVar (database versions not stated): gnomAD 0.00001; gnomAD exomes 0.00001; TOPMed 0.00001; ExAC 0.00002.
gnomAD v4.1: 18 of 1,613,320 alleles (0.0011%); highest among the groups gnomAD compares: East Asian, 0.02%; no homozygotes.

Submission:

Labcorp Genetics (formerly Invitae), Labcorp
Classification: Uncertain significance. Last evaluated: 2025-08-07. Review status: criteria provided, single submitter. Criteria: Invitae Variant Classification Sherloc (09022015). Collection method: clinical testing. Allele origin: germline.
Comment: This sequence change falls in intron 40 of the FLNB gene. It does not directly change the encoded amino acid sequence of the FLNB protein. It affects a nucleotide within the consensus splice site. This variant is present in population databases (rs778768277, gnomAD 0.01%). This variant has not been reported in the literature in individuals affected with FLNB-related conditions. ClinVar contains an entry for this variant (Variation ID: 1911887). Variants that disrupt the consensus splice site are a relatively common cause of aberrant splicing (PMID: 17576681, 9536098). Algorithms developed to predict the effect of sequence changes on RNA splicing suggest that this variant may disrupt the consensus splice site. In summary, the available evidence is currently insufficient to determine the role of this variant in disease. Therefore, it has been classified as a Variant of Uncertain Significance.

Literature cited by the submitters: PubMed 17576681; PubMed 9536098.

NM_001457.4(FLNB):c.6772+3A>G

Gene: FLNB (filamin B; plus strand). Cytogenetic location: 3p14.3.
Variant type: single nucleotide variant.
Coding change: c.6772+3A>G on transcript NM_001457.4 (MANE Select); 3 bases into the intron after coding-DNA position 6772, A replaced by G.
Molecular consequence: intron variant.
Genome position (GRCh38, 1-based): chr3:58,154,931, A>G. VCF-style: chr3-58154931-A-G. GRCh37 (hg19) VCF-style: chr3-58140658-A-G.
Other names: c.6865+3A>G (NM_001164317.2); c.6739+3A>G (NM_001164318.2); c.6700+3A>G (NM_001164319.2).
Identifiers: ClinVar variation 1911887 (VCV001911887.5), dbSNP rs778768277, ClinGen allele CA2469483.